The following is an entry in ClinVar:

NM_003738.5(PTCH2):c.2303C>T (p.Ala768Val)

Gene: PTCH2 (patched 2; minus strand). Cytogenetic location: 1p34.1.
Variant type: single nucleotide variant.
Coding change: c.2303C>T on transcript NM_003738.5 (MANE Select); coding-DNA position 2303, C replaced by T.
Protein change: p.Ala768Val; replaces alanine 768 with valine.
Molecular consequence: missense variant.
Genome position (GRCh38, 1-based): chr1:44,827,470, G>A on the plus strand (C>T on the coding strand, the complement: PTCH2 is on the minus strand). VCF-style: chr1-44827470-G-A. GRCh37 (hg19) VCF-style: chr1-45293142-G-A.
Other names: c.2303C>T, p.Ala768Val (NM_001166292.2); short protein forms A768V.
Identifiers: ClinVar variation 863346 (VCV000863346.10), dbSNP rs761442845, ClinGen allele CA823059.
Genomic context (GRCh38, chr1:44,827,470, plus strand): 5'-CAGTTGCGGTAATAGTGCAGCCAGGTGCGGGGTGCCTGGGTGGCCGGTGGGGGCAGCACC[G>A]CCTTGAGGGAACTGAAGCGCTGGTGCAGATCAAAGAGGGCGCGTTGGGAGTGGGCGTAGT-3'
Protein context (NP_003729.3, residues 758-778): DLHQRFSSLK[Ala768Val]VLPPPATQAP

ClinVar aggregate classification (germline): Uncertain significance (1 of 4 stars; one submission).

Conditions:
Gorlin syndrome. Also called: Nevoid Basal Cell Carcinoma Syndrome; Basal cell nevus syndrome. Identifiers: Orphanet 377, MedGen C0004779, MONDO:0007187.

Allele frequency attached by ClinVar (database versions not stated): ExAC 0.00001; gnomAD 0.00001; gnomAD exomes 0.00001 and 0.00002; TOPMed 0.00002.
gnomAD v4.1: 15 of 1,613,914 alleles (0.00093%); highest among the groups gnomAD compares: Admixed American, 0.0017%; no homozygotes.

Submission:

Labcorp Genetics (formerly Invitae), Labcorp
Classification: Uncertain significance for Gorlin syndrome. Last evaluated: 2026-02-01. Review status: criteria provided, single submitter. Criteria: Invitae Variant Classification Sherloc (09022015). Collection method: clinical testing. Allele origin: germline.
Comment: This sequence change replaces alanine, which is neutral and non-polar, with valine, which is neutral and non-polar, at codon 768 of the PTCH2 protein (p.Ala768Val). This variant is present in population databases (rs761442845, gnomAD 0.003%). This variant has not been reported in the literature in individuals affected with PTCH2-related conditions. ClinVar contains an entry for this variant (Variation ID: 863346). Invitae Evidence Modeling of protein sequence and biophysical properties (such as structural, functional, and spatial information, amino acid conservation, physicochemical variation, residue mobility, and thermodynamic stability) indicates that this missense variant is not expected to disrupt PTCH2 protein function with a negative predictive value of 80%. In summary, the available evidence is currently insufficient to determine the role of this variant in disease. Therefore, it has been classified as a Variant of Uncertain Significance.